The following is an entry in ClinVar:

NM_001378615.1(CC2D2A):c.3883G>A (p.Gly1295Arg)

Genes: CC2D2A (coiled-coil and C2 domain containing 2A; plus strand), FBXL5 (F-box and leucine rich repeat protein 5; minus strand). Cytogenetic location: 4p15.32.
Variant type: single nucleotide variant.
Coding change: c.3883G>A on transcript NM_001378615.1 (MANE Select); coding-DNA position 3883, G replaced by A.
Protein change: p.Gly1295Arg; replaces glycine 1295 with arginine.
Molecular consequence: missense variant.
Genome position (GRCh38, 1-based): chr4:15,580,079, G>A. VCF-style: chr4-15580079-G-A. GRCh37 (hg19) VCF-style: chr4-15581702-G-A.
Other names: c.3883G>A, p.Gly1295Arg (NM_001080522.2); c.3736G>A, p.Gly1246Arg (NM_001378617.1); short protein forms G1295R, G1246R.
Identifiers: ClinVar variation 423722 (VCV000423722.18), dbSNP rs763466980, ClinGen allele CA2864254.

ClinVar aggregate classification (germline): Uncertain significance. Review status: criteria provided, multiple submitters, no conflicts (2 of 4 stars). 7 submissions from 6 submitters: Uncertain significance (7). Last evaluated 2025-11-12.

Conditions:
Meckel-Gruber syndrome. Also called: Dysencephalia splachnocystica; DYSENCEPHALIA SPLANCHNOCYSTICA; GRUBER SYNDROME. Identifiers: Orphanet 564, MedGen C0265215, MONDO:0018921.
Joubert syndrome. Also called: Familial aplasia of the vermis; JOUBERT-BOLTSHAUSER SYNDROME. Identifiers: Orphanet 475, MedGen C5979921, MONDO:0018772.
Joubert syndrome 9 (JBTS9). Identifiers: Orphanet 2318, MedGen C2676788, MONDO:0012849, OMIM 612285.
Inborn genetic diseases. Identifiers: MedGen C0950123, MeSH D030342.
Meckel syndrome, type 6. Identifiers: Orphanet 564, MedGen C2676790, MONDO:0012848, OMIM 612284.

Allele frequency attached by ClinVar (database versions not stated): gnomAD 0.00003; gnomAD exomes 0.00004 and 0.00006; TOPMed 0.00004; ExAC 0.00006.
gnomAD v4.1: 70 of 1,613,704 alleles (0.0043%); highest among the groups gnomAD compares: South Asian, 0.027%; no homozygotes.

Submissions (7):

Ambry Genetics
Classification: Uncertain significance for Inborn genetic diseases. Last evaluated: 2025-11-12. Review status: criteria provided, single submitter. Criteria: Ambry Variant Classification Scheme 2023. Collection method: clinical testing. Allele origin: germline.

Labcorp Genetics (formerly Invitae), Labcorp
Classification: Uncertain significance for Joubert syndrome; Meckel-Gruber syndrome. Last evaluated: 2025-01-15. Review status: criteria provided, single submitter. Criteria: Invitae Variant Classification Sherloc (09022015). Collection method: clinical testing. Allele origin: germline.
Comment: This sequence change replaces glycine, which is neutral and non-polar, with arginine, which is basic and polar, at codon 1295 of the CC2D2A protein (p.Gly1295Arg). This variant is present in population databases (rs763466980, gnomAD 0.03%). This variant has not been reported in the literature in individuals affected with CC2D2A-related conditions. ClinVar contains an entry for this variant (Variation ID: 423722). Invitae Evidence Modeling of protein sequence and biophysical properties (such as structural, functional, and spatial information, amino acid conservation, physicochemical variation, residue mobility, and thermodynamic stability) indicates that this missense variant is expected to disrupt CC2D2A protein function with a positive predictive value of 80%. In summary, the available evidence is currently insufficient to determine the role of this variant in disease. Therefore, it has been classified as a Variant of Uncertain Significance.

Blueprint Genetics
Classification: Uncertain significance. Last evaluated: 2024-10-10. Review status: criteria provided, single submitter. Criteria: ACMG Guidelines, 2015. Collection method: clinical testing. Allele origin: germline.

GeneDx
Classification: Uncertain significance. Last evaluated: 2024-03-26. Review status: criteria provided, single submitter. Criteria: GeneDx Variant Classification Process June 2021. Collection method: clinical testing. Allele origin: germline. Affected: yes.
Comment: In silico analysis supports that this missense variant has a deleterious effect on protein structure/function; Has not been previously published as pathogenic or benign to our knowledge

Eurofins Ntd Llc (ga)
Classification: Uncertain significance. Last evaluated: 2018-01-12. Review status: criteria provided, single submitter. Criteria: EGL Classification Definitions 2015. Collection method: clinical testing. Allele origin: germline. Observed: 1 variant allele, 1 heterozygote.

Illumina Laboratory Services, Illumina
Classification: Uncertain significance for Meckel syndrome, type 6. Last evaluated: 2018-01-12. Review status: criteria provided, single submitter. Criteria: ICSL Variant Classification Criteria 13 December 2019. Collection method: clinical testing. Allele origin: germline.

Illumina Laboratory Services, Illumina
Classification: Uncertain significance for Joubert syndrome 9. Last evaluated: 2018-01-12. Review status: criteria provided, single submitter. Criteria: ICSL Variant Classification Criteria 13 December 2019. Collection method: clinical testing. Allele origin: germline.